The following is an entry in ClinVar:

NM_001040142.2(SCN2A):c.4904G>A (p.Arg1635Gln)

Gene: SCN2A (sodium voltage-gated channel alpha subunit 2; plus strand). Cytogenetic location: 2q24.3.
Variant type: single nucleotide variant.
Coding change: c.4904G>A on transcript NM_001040142.2 (MANE Select); coding-DNA position 4904, G replaced by A.
Protein change: p.Arg1635Gln; replaces arginine 1635 with glutamine.
Molecular consequence: missense variant.
Genome position (GRCh38, 1-based): chr2:165,388,710, G>A. VCF-style: chr2-165388710-G-A. GRCh37 (hg19) VCF-style: chr2-166245220-G-A.
Other names: c.4904G>A, p.Arg1635Gln (NM_001040143.2, NM_001371246.1, NM_001371247.1 and 1 more transcripts); short protein forms R1635Q.
Identifiers: ClinVar variation 380389 (VCV000380389.15), dbSNP rs1057520844, ClinGen allele CA16603923.

ClinVar aggregate classification (germline): Pathogenic/Likely pathogenic. Review status: criteria provided, multiple submitters, no conflicts (2 of 4 stars). 6 submissions from 6 submitters: Pathogenic (2); Likely pathogenic (4). Last evaluated 2025-05-21.

Conditions:
Complex neurodevelopmental disorder. Identifiers: Orphanet 528084, MedGen C5568766, MONDO:0100038.
Developmental disorder. Identifiers: MedGen C0008073.
Autosomal dominant SCN2A-related disorders.
SCN2A-related disorder. Also called: SCN2A-related condition; SCN2A-related disorders. Identifiers: MedGen CN382226, MONDO:1060245.
Developmental and epileptic encephalopathy, 11 (DEE11). Also called: Early infantile epileptic encephalopathy 11. Identifiers: Orphanet 1934, MedGen C3150987, MONDO:0013388, OMIM 613721.
Seizures, benign familial infantile, 3 (BFIS3). Also called: CONVULSIONS, BENIGN FAMILIAL INFANTILE, 3; Familial neonatal seizures. Identifiers: Orphanet 140927, Orphanet 306, MedGen C1843140, MONDO:0011904, OMIM 607745.

Submissions (6):

Variantyx, Inc.
Classification: Likely pathogenic for Autosomal dominant SCN2A-related disorders. Last evaluated: 2025-05-21. Review status: criteria provided, single submitter. Criteria: Variantyx Assertion Criteria 2022. Collection method: clinical testing. Allele origin: de novo. Inheritance: Autosomal dominant inheritance. Affected: yes.
Comment: This is a nonsynonymous variant in the SCN2A gene (OMIM: 182390). Pathogenic variants in this gene have been associated with autosomal dominant SCN2A-related disorders. This variant has been reported in at least one affected individual (PMID: 29655203 ) (PS4). It lies within a known hotspot for pathogenic variants or a well-established critical functional domain of the SCN2A protein (PMID: 31871067, 32183904) (PM1) and mMultiple computational algorithms predict a deleterious effect for this variant (REVEL score: 0.913) (PP3). This variant is absent from control populations (PM2). Based on the current evidence, this variant is classified as likely pathogenic for autosomal dominant SCN2A-related disorders.

GeneDx
Classification: Pathogenic. Last evaluated: 2023-04-07. Review status: criteria provided, single submitter. Criteria: GeneDx Variant Classification Process June 2021. Collection method: clinical testing. Allele origin: germline. Affected: yes.
Comment: Missense variants in this gene are often considered pathogenic (HGMD); In silico analysis supports that this missense variant has a deleterious effect on protein structure/function; Not observed at significant frequency in large population cohorts (gnomAD); This variant is associated with the following publications: (PMID: 30564305, 29655203)

PreventionGenetics, part of Exact Sciences
Classification: Likely pathogenic for SCN2A-related condition. Last evaluated: 2022-11-23. Review status: criteria provided, single submitter. Criteria: ACMG Guidelines, 2015. Collection method: clinical testing. Allele origin: germline.
Comment: The SCN2A c.4904G>A variant is predicted to result in the amino acid substitution p.Arg1635Gln. This variant was reported as de novo variant in one individual with autism spectrum disorder (see additional file 7: Data 4. Guo et al 2018. PubMed ID: 30564305) and also found in another patient with epilepsy and neurodevelopmental disorder (Table S4, Lindy et al 2018. PubMed ID: 29655203). In ClinVar, this variant is interpreted as likely pathogenic/pathogenic. This variant has not been reported in a large population database, indicating this variant is rare. This variant is interpreted as likely pathogenic.

Labcorp Genetics (formerly Invitae), Labcorp
Classification: Pathogenic for Seizures, benign familial infantile, 3; Developmental and epileptic encephalopathy, 11. Last evaluated: 2022-10-03. Review status: criteria provided, single submitter. Criteria: Invitae Variant Classification Sherloc (09022015). Collection method: clinical testing. Allele origin: germline.
Comment: This missense change has been observed in individual(s) with clinical features of SCN2A-related conditions (PMID: 29655203, 30564305; external communication). In at least one individual the variant was observed to be de novo. ClinVar contains an entry for this variant (Variation ID: 380389). Advanced modeling of protein sequence and biophysical properties (such as structural, functional, and spatial information, amino acid conservation, physicochemical variation, residue mobility, and thermodynamic stability) performed at Invitae indicates that this missense variant is expected to disrupt SCN2A protein function. For these reasons, this variant has been classified as Pathogenic. This variant is not present in population databases (gnomAD no frequency). This sequence change replaces arginine, which is basic and polar, with glutamine, which is neutral and polar, at codon 1635 of the SCN2A protein (p.Arg1635Gln).

Blueprint Genetics
Classification: Likely pathogenic for SCN2A-related disorders. Last evaluated: 2021-11-30. Review status: criteria provided, single submitter. Criteria: ACMG Guidelines, 2015. Collection method: clinical testing. Allele origin: de novo. Affected: yes. Observed: 1 variant allele.

Department of Genetics, Rouen University Hospital, Normandy Center for Genomic and Personalized Medicine
Classification: Likely pathogenic for Developmental disorder. Last evaluated: 2020-03-12. Review status: criteria provided, single submitter. Criteria: ACMG Guidelines, 2015. Collection method: clinical testing. Allele origin: de novo. Affected: yes.

Literature cited by the submitters: PubMed 31871067 (cited by Variantyx, Inc.); PubMed 32183904 (cited by Variantyx, Inc.); PubMed 30564305 (cited by Variantyx, Inc. and Labcorp Genetics (formerly Invitae), Labcorp); PubMed 29655203 (cited by Variantyx, Inc. and Labcorp Genetics (formerly Invitae), Labcorp).